The following is an entry in ClinVar:

NM_001130823.3(DNMT1):c.769-149A>G

Gene: DNMT1 (DNA methyltransferase 1; minus strand). Cytogenetic location: 19p13.2.
Variant type: single nucleotide variant.
Coding change: c.769-149A>G on transcript NM_001130823.3 (MANE Select); 149 bases into the intron before coding-DNA position 769, A replaced by G.
Molecular consequence: intron variant.
Genome position (GRCh38, 1-based): chr19:10,168,513, T>C on the plus strand (A>G on the coding strand, the complement: DNMT1 is on the minus strand). VCF-style: chr19-10168513-T-C. GRCh37 (hg19) VCF-style: chr19-10279189-T-C.
Other names: c.406-149A>G (NM_001318731.2); c.721-149A>G (NM_001379.4, NM_001318730.2).
Identifiers: ClinVar variation 679319 (VCV000679319.1), dbSNP rs2162559, ClinGen allele CA15940795.

ClinVar aggregate classification (germline): Benign (1 of 4 stars; one submission).

Allele frequency attached by ClinVar (database versions not stated): TOPMed 0.50631; gnomAD 0.50953 and 0.51167; 1000 Genomes Project 30x 0.52998; 1000 Genomes Project 0.53614.
gnomAD v4.1: 384,718 of 762,386 alleles (50%); highest among the groups gnomAD compares: East Asian, 62%; 99,257 homozygotes.

Submission:

GeneDx
Classification: Benign. Last evaluated: 2018-06-19. Review status: criteria provided, single submitter. Criteria: GeneDx Variant Classification (06012015). Collection method: clinical testing. Allele origin: germline. Affected: yes.
Comment: This variant is considered likely benign or benign based on one or more of the following criteria: it is a conservative change, it occurs at a poorly conserved position in the protein, it is predicted to be benign by multiple in silico algorithms, and/or has population frequency not consistent with disease.